The following is an entry in ClinVar:

NM_025137.4(SPG11):c.5992dup (p.Tyr1998fs)

Gene: SPG11 (SPG11 vesicle trafficking associated, spatacsin; minus strand). Cytogenetic location: 15q21.1.
Variant type: Duplication.
Coding change: c.5992dup on transcript NM_025137.4 (MANE Select); coding-DNA position 5992, one base duplicated (T; older notation c.5992dupT).
Protein change: p.Tyr1998fs; shifts the reading frame from tyrosine 1998.
Molecular consequence: frameshift variant. On other transcripts: intron variant (1).
Genome position (GRCh38, 1-based): chr15:44,574,916, A duplicated on the plus strand (T on the coding strand, the reverse complement: SPG11 is on the minus strand). VCF-style (leftmost placement, unchanged base first): chr15-44574915-T-TA. GRCh37 (hg19) VCF-style: chr15-44867113-T-TA.
Other names: c.5867-2096dup (NM_001160227.2); short protein forms Y1998fs.
Identifiers: ClinVar variation 41339 (VCV000041339.4), dbSNP rs312262777, ClinGen allele CA344369.

ClinVar aggregate classification (germline): Pathogenic (0 of 4 stars; one submission).

Conditions:
Hereditary spastic paraplegia 11. Also called: Spastic Paraplegia 11; Autosomal recessive hereditary spastic paraplegia, mental impairment, and thin corpus callosum; Nakamura Osame syndrome; SPASTIC PARAPLEGIA, AUTOSOMAL RECESSIVE, COMPLICATED, WITH THIN CORPUS CALLOSUM; SPASTIC PARAPLEGIA, AUTOSOMAL RECESSIVE, WITH MENTAL IMPAIRMENT AND THIN CORPUS CALLOSUM; Spastic paraplegia, mental retardation and thin corpus callosum. Identifiers: Orphanet 2822, MedGen C1858479, MONDO:0011445, OMIM 604360.

Submission:

GeneReviews
Classification: Pathogenic for Spastic Paraplegia 11. Last evaluated: 2013-01-31. Review status: no assertion criteria provided. Collection method: curation. Allele origin: unknown.
ClinVar note: Converted during submission from pathologic to Pathogenic.